The following is an entry in ClinVar:

NM_138694.4(PKHD1):c.5767_5768del (p.Gln1923fs)

Gene: PKHD1 (PKHD1 ciliary IPT domain containing fibrocystin/polyductin; minus strand). Cytogenetic location: 6p12.2.
Variant type: Deletion.
Coding change: c.5767_5768del on transcript NM_138694.4 (MANE Select); coding-DNA positions 5767 to 5768, 2 bases deleted (CA; older notation c.5767_5768delCA).
Protein change: p.Gln1923fs; shifts the reading frame from glutamine 1923.
Molecular consequence: frameshift variant.
Genome position (GRCh38, 1-based): chr6:51,960,010-51,960,011, TG deleted on the plus strand (CA on the coding strand, the reverse complement: PKHD1 is on the minus strand); deleting any 2 consecutive bases within chr6:51,960,010-51,960,012 gives the same sequence; the c. name uses the placement nearest the transcript's 3' end. VCF-style (leftmost placement, unchanged base first): chr6-51960009-CTG-C. GRCh37 (hg19) VCF-style: chr6-51824807-CTG-C.
Other names: c.5767_5768del, p.Gln1923fs (NM_170724.3); short protein forms Q1923fs.
Identifiers: ClinVar variation 1377314 (VCV001377314.6), dbSNP rs2127947553, ClinGen allele CA2573140949.
Genomic context (GRCh38, chr6:51,960,009, plus strand): 5'-GCCATCTTGTGGCAGCCTTTCAGGAAACCAGCTGTGAGTCCTGGACCATCTCCGGCAGAA[CTG>C]TAAAGAAAAGTTGCCCTGGAAAACAGAGAGCTGGGTTGGTGGGTTGGTTGGTTGGTTGGC-3'

ClinVar aggregate classification (germline): Pathogenic (1 of 4 stars; one submission).

Conditions:
Autosomal recessive polycystic kidney disease (ARPKD). Also called: AR polycystic kidney disease. Identifiers: Orphanet 731, Orphanet 8378, MedGen C0085548, MeSH D017044, MONDO:0009889.

Submission:

Labcorp Genetics (formerly Invitae), Labcorp
Classification: Pathogenic for Autosomal recessive polycystic kidney disease. Last evaluated: 2020-12-21. Review status: criteria provided, single submitter. Criteria: Invitae Variant Classification Sherloc (09022015). Collection method: clinical testing. Allele origin: germline.
Comment: This sequence change creates a premature translational stop signal (p.Gln1923Valfs*14) in the PKHD1 gene. It is expected to result in an absent or disrupted protein product. Loss-of-function variants in PKHD1 are known to be pathogenic (PMID: 19940839). For these reasons, this variant has been classified as Pathogenic. This variant has not been reported in the literature in individuals with PKHD1-related conditions. This variant is not present in population databases (ExAC no frequency).

Literature cited by the submitters: PubMed 19940839.